The following is an entry in ClinVar:

NM_001035.3(RYR2):c.13359C>A (p.Ala4453=)

Gene: RYR2 (ryanodine receptor 2; plus strand). Cytogenetic location: 1q43.
Variant type: single nucleotide variant.
Coding change: c.13359C>A on transcript NM_001035.3 (MANE Select); coding-DNA position 13359, C replaced by A.
Protein change: p.Ala4453=; no amino-acid change (alanine 4453 retained).
Molecular consequence: synonymous variant.
Genome position (GRCh38, 1-based): chr1:237,788,018, C>A. VCF-style: chr1-237788018-C-A. GRCh37 (hg19) VCF-style: chr1-237951318-C-A.
Identifiers: ClinVar variation 3073649 (VCV003073649.1), dbSNP rs2527854986, ClinGen allele CA423826347.

ClinVar aggregate classification (germline): Likely benign (1 of 4 stars; one submission).

Conditions:
Catecholaminergic polymorphic ventricular tachycardia (CVPT). Also called: Catecholamine-induced polymorphic ventricular tachycardia. Identifiers: Orphanet 3286, MedGen C5574922, MONDO:0017990.

Allele frequency attached by ClinVar (database versions not stated): gnomAD exomes below 0.00001.
gnomAD v4.1: 1 of 1,602,148 alleles (0.000062%); highest among the groups gnomAD compares: Non-Finnish European, 0.000085%; no homozygotes.

Submission:

All of Us Research Program, National Institutes of Health
Classification: Likely benign for Catecholaminergic polymorphic ventricular tachycardia. Last evaluated: 2023-10-02. Review status: criteria provided, single submitter. Criteria: ACMG Guidelines, 2015. Collection method: clinical testing. Allele origin: germline. Inheritance: Autosomal dominant inheritance. Observed: 1 variant allele, 1 heterozygote.
Comment: This study involves interpretation of variants in research participants for the purpose of population health screening. Participant phenotype was not available at the time of variant classification. Additional details can be found in publication PMID: 35346344, PMCID: PMC8962531